The following is an entry in ClinVar:

ClinVar aggregate classification (germline): Uncertain significance (1 of 4 stars; one submission).

Submission:

CeGaT Center for Human Genetics Tuebingen
Classification: Uncertain significance. Last evaluated: 2022-07-01. Review status: criteria provided, single submitter. Criteria: CeGaT Center For Human Genetics Tuebingen Variant Classification Criteria Version 2. Collection method: clinical testing. Allele origin: germline. Affected: yes. Observed: 1 variant allele.
Comment: NFKB1: PM2

NM_003998.4(NFKB1):c.1473AGA[1] (p.Glu493del)

Gene: NFKB1 (nuclear factor kappa B subunit 1; plus strand). Cytogenetic location: 4q24.
Variant type: Microsatellite.
Coding change: c.1473AGA[1] on transcript NM_003998.4 (MANE Select); one copy of the 3-base unit AGA starting at c.1473; the reference has two copies in a row; one copy, 3 bases deleted.
Protein change: p.Glu493del; deletes glutamic acid 493.
Molecular consequence: inframe deletion.
Genome position (GRCh38, 1-based): chr4:102,596,313-102,596,315, AGA deleted; deleting any 3 consecutive bases within chr4:102,596,309-102,596,315 gives the same sequence; the position shown is the placement nearest the transcript's 3' end. VCF-style (leftmost placement, unchanged base first): chr4-102596308-AAAG-A. GRCh37 (hg19) VCF-style: chr4-103517465-AAAG-A.
Other names: c.1470AGA[1], p.Glu492del (NM_001165412.2, NM_001319226.2, NM_001382627.1); c.1473AGA[1], p.Glu493del (NM_001382625.1, NM_001382626.1); c.1431AGA[1], p.Glu479del (NM_001382628.1); short protein forms E479del, E492del, E493del.
Identifiers: ClinVar variation 2654981 (VCV002654981.24), dbSNP rs2476497837, ClinGen allele CA2695198502.